The following is an entry in ClinVar:

NM_013326.5(RMC1):c.1006+12T>A

Genes: NPC1 (NPC intracellular cholesterol transporter 1; minus strand), RMC1 (regulator of MON1-CCZ1; plus strand). Cytogenetic location: 18q11.2.
Variant type: single nucleotide variant.
Coding change: c.1006+12T>A on transcript NM_013326.5 (MANE Select); 12 bases into the intron after coding-DNA position 1006, T replaced by A.
Molecular consequence: intron variant.
Genome position (GRCh38, 1-based): chr18:23,524,186, T>A. VCF-style: chr18-23524186-T-A. GRCh37 (hg19) VCF-style: chr18-21104150-T-A.
Other names: c.862+12T>A (NM_001276342.1, NM_001318709.1); c.535+12T>A (NM_001318708.1, NM_001318707.1).
Identifiers: ClinVar variation 3336056 (VCV003336056.1).

ClinVar aggregate classification (germline): Likely benign (1 of 4 stars; one submission).

gnomAD v4.1: 2,267 of 1,613,314 alleles (0.14%); highest among the groups gnomAD compares: Non-Finnish European, 0.17%; 2 homozygotes.

Submission:

Women's Health and Genetics/Laboratory Corporation of America, LabCorp
Classification: Likely benign. Last evaluated: 2024-05-10. Review status: criteria provided, single submitter. Criteria: LabCorp Variant Classification Summary - May 2015. Collection method: clinical testing. Allele origin: germline.
Comment: Variant summary: RMC1 c.1006+12T>A alters a non-conserved nucleotide located at a position not widely known to affect splicing. Consensus agreement among computation tools predict no significant impact on normal splicing. However, these predictions have yet to be confirmed by functional studies. The variant allele was found at a frequency of 0.0011 in 282254 control chromosomes in the gnomAD database, including 1 homozygote. To our knowledge, no occurrence of c.1006+12T>A in individuals affected with RMC1 Related Disorders and no experimental evidence demonstrating its impact on protein function have been reported. No submitters have cited clinical-significance assessments for this variant to ClinVar. Based on the evidence outlined above, the variant was classified as likely benign.